The following is an entry in ClinVar:

NM_080680.3(COL11A2):c.4541G>A (p.Arg1514His)

Gene: COL11A2 (collagen type XI alpha 2 chain; minus strand). Cytogenetic location: 6p21.32.
Variant type: single nucleotide variant.
Coding change: c.4541G>A on transcript NM_080680.3 (MANE Select); coding-DNA position 4541, G replaced by A.
Protein change: p.Arg1514His; replaces arginine 1514 with histidine.
Molecular consequence: missense variant.
Genome position (GRCh38, 1-based): chr6:33,165,758, C>T on the plus strand (G>A on the coding strand, the complement: COL11A2 is on the minus strand). VCF-style: chr6-33165758-C-T. GRCh37 (hg19) VCF-style: chr6-33133535-C-T.
Other names: c.4220G>A, p.Arg1407His (NM_080679.3); c.4283G>A, p.Arg1428His (NM_080681.3); short protein forms R1407H, R1428H, R1514H.
Identifiers: ClinVar variation 1305828 (VCV001305828.10), dbSNP rs756194499, ClinGen allele CA3750054.
Genomic context (GRCh38, chr6:33,165,758, plus strand): 5'-GGGGCTCCCCCGGTCGGTATGGCCTCATCTTCCTGCATCAGACGGCTTCCATCCACCGAG[C>T]GCCGAGTCTTCTTGGGCATCTGAATGGGCAGTGGCTGGATCACCTCGCCTGGGGGACCCT-3'
Protein context (NP_542411.2, residues 1504-1524): LPIQMPKKTR[Arg1514His]SVDGSRLMQE

ClinVar aggregate classification (germline): Conflicting classifications of pathogenicity. Review status: criteria provided, conflicting classifications (1 of 4 stars). 3 submissions from 3 submitters: Uncertain significance (2); Benign (1). Last evaluated 2025-11-27.

Conditions:
Inborn genetic diseases. Identifiers: MedGen C0950123, MeSH D030342.

Allele frequency attached by ClinVar (database versions not stated): ExAC 0.00001; gnomAD exomes 0.00001; TOPMed 0.00003; gnomAD 0.00005 and 0.00006.
gnomAD v4.1: 22 of 1,612,408 alleles (0.0014%); highest among the groups gnomAD compares: African/African-American, 0.008%; no homozygotes.

Submissions (3):

Labcorp Genetics (formerly Invitae), Labcorp
Classification: Benign. Last evaluated: 2025-11-27. Review status: criteria provided, single submitter. Criteria: Invitae Variant Classification Sherloc (09022015). Collection method: clinical testing. Allele origin: germline.

Ambry Genetics
Classification: Uncertain significance for Inborn genetic diseases. Last evaluated: 2025-08-11. Review status: criteria provided, single submitter. Criteria: Ambry Variant Classification Scheme 2023. Collection method: clinical testing. Allele origin: germline.

GeneDx
Classification: Uncertain significance. Last evaluated: 2019-05-14. Review status: criteria provided, single submitter. Criteria: GeneDx Variant Classification Process June 2021. Collection method: clinical testing. Allele origin: germline. Affected: yes.
Comment: Has not been previously published as pathogenic or benign to our knowledge; In silico analysis, which includes protein predictors and evolutionary conservation, supports a deleterious effect